The following is an entry in ClinVar:

ClinVar aggregate classification (germline): Pathogenic. Review status: criteria provided, multiple submitters, no conflicts (2 of 4 stars). 2 submissions from 2 submitters: Pathogenic (2). Last evaluated 2026-04-22.

Conditions:
Hereditary cancer-predisposing syndrome. Also called: Neoplastic Syndromes, Hereditary; Tumor predisposition; Hereditary Cancer Syndrome; Hereditary neoplastic syndrome. Identifiers: Orphanet 140162, MedGen C0027672, MeSH D009386, MONDO:0015356.
Fanconi anemia complementation group J. Also called: BRIP1-Related Fanconi Anemia. Identifiers: Orphanet 84, MedGen C1836860, MONDO:0012187, OMIM 609054.
Familial cancer of breast. Also called: Hereditary breast cancer; hereditary breast carcinoma; BREAST CANCER, FAMILIAL. Identifiers: Orphanet 227535, MedGen C0346153, MONDO:0016419, OMIM 114480. Disease mechanism: loss of function.

Submissions (2):

Ambry Genetics
Classification: Pathogenic for Hereditary cancer-predisposing syndrome. Last evaluated: 2026-04-22. Review status: criteria provided, single submitter. Criteria: Ambry Variant Classification Scheme 2023. Collection method: clinical testing. Allele origin: germline.
Comment: The p.K797* pathogenic mutation (also known as c.2389A>T), located in coding exon 16 of the BRIP1 gene, results from an A to T substitution at nucleotide position 2389. This changes the amino acid from a lysine to a stop codon within coding exon 16. This variant is considered to be rare based on population cohorts in the Genome Aggregation Database (gnomAD). This alteration is expected to result in loss of function by premature protein truncation or nonsense-mediated mRNA decay. As such, this alteration is interpreted as a disease-causing mutation.

Labcorp Genetics (formerly Invitae), Labcorp
Classification: Pathogenic for Familial cancer of breast; Fanconi anemia complementation group J. Last evaluated: 2022-06-16. Review status: criteria provided, single submitter. Criteria: Invitae Variant Classification Sherloc (09022015). Collection method: clinical testing. Allele origin: germline.
Comment: This sequence change creates a premature translational stop signal (p.Lys797*) in the BRIP1 gene. It is expected to result in an absent or disrupted protein product. Loss-of-function variants in BRIP1 are known to be pathogenic (PMID: 16116423, 17033622, 21964575). This variant has not been reported in the literature in individuals affected with BRIP1-related conditions. This variant is not present in population databases (gnomAD no frequency). For these reasons, this variant has been classified as Pathogenic.

Literature cited by the submitters: PubMed 16116423 (cited by Labcorp Genetics (formerly Invitae), Labcorp); PubMed 17033622 (cited by Labcorp Genetics (formerly Invitae), Labcorp); PubMed 21964575 (cited by Labcorp Genetics (formerly Invitae), Labcorp).

NM_032043.3(BRIP1):c.2389A>T (p.Lys797Ter)

Gene: BRIP1 (BRCA1 interacting DNA helicase 1; minus strand). Cytogenetic location: 17q23.2.
Variant type: single nucleotide variant.
Coding change: c.2389A>T on transcript NM_032043.3 (MANE Select); coding-DNA position 2389, A replaced by T.
Protein change: p.Lys797Ter; replaces lysine 797 with a stop codon.
Molecular consequence: nonsense.
Genome position (GRCh38, 1-based): chr17:61,716,054, T>A on the plus strand (A>T on the coding strand, the complement: BRIP1 is on the minus strand). VCF-style: chr17-61716054-T-A. GRCh37 (hg19) VCF-style: chr17-59793415-T-A.
Other names: short protein forms K797*.
Identifiers: ClinVar variation 2007406 (VCV002007406.5), dbSNP rs2544698078, ClinGen allele CA400479827.